The following is an entry in ClinVar:

NM_001166108.2(PALLD):c.836G>T (p.Ser279Ile)

Gene: PALLD (palladin, cytoskeletal associated protein; plus strand). Cytogenetic location: 4q32.3.
Variant type: single nucleotide variant.
Coding change: c.836G>T on transcript NM_001166108.2 (MANE Select); coding-DNA position 836, G replaced by T.
Protein change: p.Ser279Ile; replaces serine 279 with isoleucine.
Molecular consequence: missense variant.
Genome position (GRCh38, 1-based): chr4:168,512,340, G>T. VCF-style: chr4-168512340-G-T. GRCh37 (hg19) VCF-style: chr4-169433491-G-T.
Other names: c.836G>T, p.Ser279Ile (NM_016081.4); short protein forms S279I.
Identifiers: ClinVar variation 1763112 (VCV001763112.2), dbSNP rs886059209, ClinGen allele CA358728482.
Genomic context (GRCh38, chr4:168,512,340, plus strand): 5'-CACAGCCCCACAGCGCCCTCCACTTCCCAGCTGCACCTCGATTCATCCAAAAGCTGAGGA[G>T]CCAAGAAGTAGCAGAAGGGAGCCGAGTTTATCTGGAGTGTAGAGTCACTGGAAACCCCAC-3'
Protein context (NP_001159580.1, residues 269-289): AAPRFIQKLR[Ser279Ile]QEVAEGSRVY

ClinVar aggregate classification (germline): Uncertain significance (1 of 4 stars; one submission).

gnomAD v4.1: 1 of 1,614,142 alleles (0.000062%); highest among the groups gnomAD compares: South Asian, 0.0011%; no homozygotes.

Submission:

Ambry Genetics
Classification: Uncertain significance. Last evaluated: 2021-08-16. Review status: criteria provided, single submitter. Criteria: Ambry Variant Classification Scheme 2023. Collection method: clinical testing. Allele origin: germline.
Comment: The p.S279I variant (also known as c.836G>T), located in coding exon 1 of the PALLD gene, results from a G to T substitution at nucleotide position 836. The serine at codon 279 is replaced by isoleucine, an amino acid with dissimilar properties. This amino acid position is conserved. In addition, the in silico prediction for this alteration is inconclusive. Since supporting evidence is limited at this time, the clinical significance of this alteration remains unclear.